The following is an entry in ClinVar:

ClinVar aggregate classification (germline): Likely benign (1 of 4 stars; one submission).

Allele frequency attached by ClinVar (database versions not stated): gnomAD 0.00007; TOPMed 0.00010; ExAC 0.00023.
gnomAD v4.1: 202 of 1,534,580 alleles (0.013%); highest among the groups gnomAD compares: Non-Finnish European, 0.017%; no homozygotes.

Submission:

CeGaT Center for Human Genetics Tuebingen
Classification: Likely benign. Last evaluated: 2024-03-01. Review status: criteria provided, single submitter. Criteria: CeGaT Center For Human Genetics Tuebingen Variant Classification Criteria Version 2. Collection method: clinical testing. Allele origin: germline. Affected: yes. Observed: 1 variant allele.
Comment: NAE1: BP4, BP7

NM_003905.4(NAE1):c.24C>A (p.Leu8=)

Gene: NAE1 (NEDD8 activating enzyme E1 subunit 1; minus strand). Cytogenetic location: 16q22.1.
Variant type: single nucleotide variant.
Coding change: c.24C>A on transcript NM_003905.4 (MANE Select); coding-DNA position 24, C replaced by A.
Protein change: p.Leu8=; no amino-acid change (leucine 8 retained).
Molecular consequence: synonymous variant. On other transcripts: 5 prime UTR variant (2).
Genome position (GRCh38, 1-based): chr16:66,830,876, G>T on the plus strand (C>A on the coding strand, the complement: NAE1 is on the minus strand). VCF-style: chr16-66830876-G-T. GRCh37 (hg19) VCF-style: chr16-66864779-G-T.
Other names: c.-93C>A (NM_001018159.2); c.-140C>A (NM_001018160.2); c.24C>A, p.Leu8= (NM_001286500.2).
Identifiers: ClinVar variation 3067249 (VCV003067249.21), dbSNP rs765488361, ClinGen allele CA8096357.
Genomic context (GRCh38, chr16:66,830,876, plus strand): 5'-CCCGCCCTCGGCTCGGTGAGCCTCGGCTCACCTCAGCTGCCGGTCGTACTTCTGCTCCTT[G>T]AGCAGCTTTCCCAGCTGCGCCATGGCCGCGCCTGCCGCGCGGAAAACAGCCGAGCCCCTG-3'
Protein context (NP_003896.1, residues 1-18): MAQLGKL[Leu8=]KEQKYDRQLR